The following is an entry in ClinVar:

NM_024675.4(PALB2):c.715A>T (p.Arg239Ter)

Gene: PALB2 (partner and localizer of BRCA2; minus strand). Cytogenetic location: 16p12.2.
Variant type: single nucleotide variant.
Coding change: c.715A>T on transcript NM_024675.4 (MANE Select); coding-DNA position 715, A replaced by T.
Protein change: p.Arg239Ter; replaces arginine 239 with a stop codon.
Molecular consequence: nonsense.
Genome position (GRCh38, 1-based): chr16:23,635,831, T>A on the plus strand (A>T on the coding strand, the complement: PALB2 is on the minus strand). VCF-style: chr16-23635831-T-A. GRCh37 (hg19) VCF-style: chr16-23647152-T-A.
Other names: c.655A>T, p.Arg219Ter (NM_001407296.1); c.715A>T, p.Arg239Ter (NM_001407297.1, NM_001407298.1, NM_001407299.1 and 3 more transcripts); c.-171A>T (NM_001407304.1, NM_001407305.1, NM_001407306.1 and 5 more transcripts); short protein forms R239*, R219*.
Identifiers: ClinVar variation 2031162 (VCV002031162.4), dbSNP rs1967026821, ClinGen allele CA395136320.
Genomic context (GRCh38, chr16:23,635,831, plus strand): 5'-TACTACCGCTATCTGATAGAGTCTGTAAAGGAACTGTAGTCGCCCTGGTGAAATTAGGTC[T>A]TCTTAGGAATGTATCAACACCTTTTTCTGGTTGGGCAGTTGGTGGAATTAATACACTGTC-3'

ClinVar aggregate classification (germline): Pathogenic (1 of 4 stars; one submission).

Conditions:
Familial cancer of breast. Also called: BREAST CANCER, FAMILIAL; Hereditary breast cancer; hereditary breast carcinoma. Identifiers: Orphanet 227535, MedGen C0346153, MONDO:0016419, OMIM 114480. Disease mechanism: loss of function.

Submission:

Labcorp Genetics (formerly Invitae), Labcorp
Classification: Pathogenic for Familial cancer of breast. Last evaluated: 2022-09-19. Review status: criteria provided, single submitter. Criteria: Invitae Variant Classification Sherloc (09022015). Collection method: clinical testing. Allele origin: germline.
Comment: This variant is not present in population databases (gnomAD no frequency). This variant has not been reported in the literature in individuals affected with PALB2-related conditions. For these reasons, this variant has been classified as Pathogenic. This sequence change creates a premature translational stop signal (p.Arg239*) in the PALB2 gene. It is expected to result in an absent or disrupted protein product. Loss-of-function variants in PALB2 are known to be pathogenic (PMID: 17200668, 17200671, 17200672, 24136930, 25099575).

Literature cited by the submitters: PubMed 17200668; PubMed 17200671; PubMed 17200672; PubMed 24136930; PubMed 25099575.